The following is an entry in ClinVar:

NM_001458.5(FLNC):c.2747G>T (p.Arg916Leu)

Gene: FLNC (filamin C; plus strand). Cytogenetic location: 7q32.1.
Variant type: single nucleotide variant.
Coding change: c.2747G>T on transcript NM_001458.5 (MANE Select); coding-DNA position 2747, G replaced by T.
Protein change: p.Arg916Leu; replaces arginine 916 with leucine.
Molecular consequence: missense variant.
Genome position (GRCh38, 1-based): chr7:128,843,513, G>T. VCF-style: chr7-128843513-G-T. GRCh37 (hg19) VCF-style: chr7-128483567-G-T.
Other names: c.2747G>T, p.Arg916Leu (NM_001127487.2); short protein forms R916L.
Identifiers: ClinVar variation 648213 (VCV000648213.19), dbSNP rs143720860, ClinGen allele CA4474836.

ClinVar aggregate classification (germline): Conflicting classifications of pathogenicity. Review status: criteria provided, conflicting classifications (1 of 4 stars). 5 submissions from 5 submitters: Uncertain significance (4); Likely benign (1). Last evaluated 2026-03-03.

Conditions:
Hypertrophic cardiomyopathy 26. Also called: Cardiomyopathy, familial hypertrophic, 26. Identifiers: Orphanet 75249, MedGen C4310749, MONDO:0014883, OMIM 617047.
Myofibrillar myopathy 5. Also called: Filaminopathy (type); FILAMINOPATHY, AUTOSOMAL DOMINANT. Identifiers: Orphanet 171445, MedGen C1836050, MONDO:0012289, OMIM 609524.
Distal myopathy with posterior leg and anterior hand involvement. Also called: WILLIAMS DISTAL MYOPATHY. Identifiers: Orphanet 63273, MedGen C3279722, MONDO:0013550, OMIM 614065.
Cardiovascular phenotype. Identifiers: MedGen CN230736.

Allele frequency attached by ClinVar (database versions not stated): TOPMed 0.00002.

Submissions (5):

GeneDx
Classification: Uncertain significance. Last evaluated: 2026-03-03. Review status: criteria provided, single submitter. Criteria: GeneDx Variant Classification Process June 2021. Collection method: clinical testing. Allele origin: germline.
Comment: Not observed at significant frequency in large population cohorts (gnomAD); In silico analysis supports that this missense variant has a deleterious effect on protein structure/function; Has not been previously published as pathogenic or benign to our knowledge

Women's Health and Genetics/Laboratory Corporation of America, LabCorp
Classification: Uncertain significance. Last evaluated: 2026-01-12. Review status: criteria provided, single submitter. Criteria: LabCorp Variant Classification Summary - May 2015. Collection method: clinical testing. Allele origin: germline.

Labcorp Genetics (formerly Invitae), Labcorp
Classification: Uncertain significance for Distal myopathy with posterior leg and anterior hand involvement; Myofibrillar myopathy 5; Hypertrophic cardiomyopathy 26. Last evaluated: 2025-11-21. Review status: criteria provided, single submitter. Criteria: Invitae Variant Classification Sherloc (09022015). Collection method: clinical testing. Allele origin: germline.
Comment: This sequence change replaces arginine, which is basic and polar, with leucine, which is neutral and non-polar, at codon 916 of the FLNC protein (p.Arg916Leu). The frequency data for this variant in the population databases is considered unreliable, as metrics indicate poor data quality at this position in the gnomAD database. This variant has not been reported in the literature in individuals affected with FLNC-related conditions. ClinVar contains an entry for this variant (Variation ID: 648213). Invitae Evidence Modeling of protein sequence and biophysical properties (such as structural, functional, and spatial information, amino acid conservation, physicochemical variation, residue mobility, and thermodynamic stability) has been performed for this missense variant. However, the output from this modeling did not meet the statistical confidence thresholds required to predict the impact of this variant on FLNC protein function. In summary, the available evidence is currently insufficient to determine the role of this variant in disease. Therefore, it has been classified as a Variant of Uncertain Significance.

Ambry Genetics
Classification: Uncertain significance for Cardiovascular phenotype. Last evaluated: 2025-07-15. Review status: criteria provided, single submitter. Criteria: Ambry Variant Classification Scheme 2023. Collection method: clinical testing. Allele origin: germline.

CeGaT Center for Human Genetics Tuebingen
Classification: Likely benign. Last evaluated: 2025-04-01. Review status: criteria provided, single submitter. Criteria: CeGaT Center For Human Genetics Tuebingen Variant Classification Criteria Version 2. Collection method: clinical testing. Allele origin: germline. Affected: yes. Observed: 1 variant allele.
Comment: FLNC: BP4